The following is an entry in ClinVar:

ClinVar aggregate classification (germline): Uncertain significance (1 of 4 stars; one submission).

Submission:

GeneDx
Classification: Uncertain significance. Last evaluated: 2024-11-06. Review status: criteria provided, single submitter. Criteria: GeneDx Variant Classification Process June 2021. Collection method: clinical testing. Allele origin: germline. Affected: yes.
Comment: Not observed at significant frequency in large population cohorts (gnomAD); In silico analysis indicates that this missense variant does not alter protein structure/function; Has not been previously published as pathogenic or benign to our knowledge

NM_001394998.1(TANC2):c.4006G>C (p.Asp1336His)

Genes: TANC2 (tetratricopeptide repeat, ankyrin repeat and coiled-coil containing 2; plus strand), LOC105371856 (uncharacterized LOC105371856; minus strand). Cytogenetic location: 17q23.3.
Variant type: single nucleotide variant.
Coding change: c.4006G>C on transcript NM_001394998.1 (MANE Select); coding-DNA position 4006, G replaced by C.
Protein change: p.Asp1336His; replaces aspartic acid 1336 with histidine.
Molecular consequence: missense variant.
Genome position (GRCh38, 1-based): chr17:63,413,620, G>C. VCF-style: chr17-63413620-G-C. GRCh37 (hg19) VCF-style: chr17-61490981-G-C.
Other names: c.3784G>C, p.Asp1262His (NM_001411076.1); c.3754G>C, p.Asp1252His (NM_025185.4); short protein forms D1252H, D1262H, D1336H.
Identifiers: ClinVar variation 3898985 (VCV003898985.1).